The following is an entry in ClinVar:

NM_002863.5(PYGL):c.2426C>T (p.Ser809Leu)

Gene: PYGL (glycogen phosphorylase L; minus strand). Cytogenetic location: 14q22.1.
Variant type: single nucleotide variant.
Coding change: c.2426C>T on transcript NM_002863.5 (MANE Select); coding-DNA position 2426, C replaced by T.
Protein change: p.Ser809Leu; replaces serine 809 with leucine.
Molecular consequence: missense variant.
Genome position (GRCh38, 1-based): chr14:50,905,510, G>A on the plus strand (C>T on the coding strand, the complement: PYGL is on the minus strand). VCF-style: chr14-50905510-G-A. GRCh37 (hg19) VCF-style: chr14-51372228-G-A.
Other names: c.2324C>T, p.Ser775Leu (NM_001163940.2); short protein forms S775L, S809L.
Identifiers: ClinVar variation 653702 (VCV000653702.11), dbSNP rs760187622, ClinGen allele CA7183101.

ClinVar aggregate classification (germline): Pathogenic/Likely pathogenic. Review status: criteria provided, multiple submitters, no conflicts (2 of 4 stars). 3 submissions from 3 submitters: Pathogenic (2); Likely pathogenic (1). Last evaluated 2025-09-02.

Conditions:
Glycogen storage disease, type VI (GSD6). Also called: Glycogen storage disease type 6; Hepatic glycogen phosphorylase deficiency; PHOSPHORYLASE DEFICIENCY GLYCOGEN-STORAGE DISEASE OF LIVER; HERS DISEASE; Glycogen storage disease type 6, due to phosphorylation; GSD VI. Identifiers: Orphanet 369, MedGen C0017925, MONDO:0009294, OMIM 232700.

Allele frequency attached by ClinVar (database versions not stated): ExAC 0.00004; gnomAD 0.00004; gnomAD exomes 0.00004 and 0.00007; TOPMed 0.00004.
gnomAD v4.1: 102 of 1,613,838 alleles (0.0063%); highest among the groups gnomAD compares: East Asian, 0.013%; no homozygotes.

Submissions (3):

Labcorp Genetics (formerly Invitae), Labcorp
Classification: Pathogenic for Glycogen storage disease, type VI. Last evaluated: 2025-09-02. Review status: criteria provided, single submitter. Criteria: Invitae Variant Classification Sherloc (09022015). Collection method: clinical testing. Allele origin: germline.
Comment: This sequence change replaces serine, which is neutral and polar, with leucine, which is neutral and non-polar, at codon 809 of the PYGL protein (p.Ser809Leu). This variant is present in population databases (rs760187622, gnomAD 0.02%). This missense change has been observed in individual(s) with Glycogen storage disease (PMID: 33763395, 35257483; internal data). In at least one individual the data is consistent with being in trans (on the opposite chromosome) from a pathogenic variant. ClinVar contains an entry for this variant (Variation ID: 653702). Invitae Evidence Modeling of protein sequence and biophysical properties (such as structural, functional, and spatial information, amino acid conservation, physicochemical variation, residue mobility, and thermodynamic stability) indicates that this missense variant is not expected to disrupt PYGL protein function with a negative predictive value of 80%. For these reasons, this variant has been classified as Pathogenic.

Women's Health and Genetics/Laboratory Corporation of America, LabCorp
Classification: Pathogenic for Glycogen storage disease, type VI. Last evaluated: 2023-06-30. Review status: criteria provided, single submitter. Criteria: LabCorp Variant Classification Summary - May 2015. Collection method: clinical testing. Allele origin: germline.
Comment: Variant summary: PYGL c.2426C>T (p.Ser809Leu) results in a non-conservative amino acid change in the encoded protein sequence. Three of five in-silico tools predict a damaging effect of the variant on protein function. The variant allele was found at a frequency of 4.4e-05 in 251466 control chromosomes. c.2426C>T has been reported in the literature in multiple individuals affected with Glycogen storage disease, type VI (Fang_2021, Luo_2022). These data indicate that the variant is very likely to be associated with disease. To our knowledge, no experimental evidence demonstrating an impact on protein function has been reported. The following publications have been ascertained in the context of this evaluation (PMID: 33763395, 35143115). One submitter has cited clinical-significance assessments for this variant to ClinVar after 2014 and has classified the variant as likely pathogenic. Based on the evidence outlined above, the variant was classified as pathogenic.

Kariminejad - Najmabadi Pathology & Genetics Center
Classification: Likely pathogenic for Glycogen storage disease, type VI. Review status: criteria provided, single submitter. Criteria: ACMG Guidelines, 2015. Collection method: clinical testing. Allele origin: germline. Affected: no.

Literature cited by the submitters: PubMed 33763395 (cited by Labcorp Genetics (formerly Invitae), Labcorp and Women's Health and Genetics/Laboratory Corporation of America, LabCorp); PubMed 35257483 (cited by Labcorp Genetics (formerly Invitae), Labcorp); PubMed 35143115 (cited by Women's Health and Genetics/Laboratory Corporation of America, LabCorp).